The following is an entry in ClinVar:

ClinVar aggregate classification (germline): Likely pathogenic (0 of 4 stars; one submission).

Conditions:
Goldberg-Shprintzen syndrome. Identifiers: Orphanet 66629, MedGen C1836123, MONDO:0012280, OMIM 609460.

Submission:

Medical Genetics, Haseki Training and Research Hospital
Classification: Likely pathogenic for Goldberg-Shprintzen syndrome. Last evaluated: 2020-11-26. Review status: no assertion criteria provided. Collection method: clinical testing. Allele origin: inherited. Inheritance: Autosomal recessive inheritance. Affected: yes. Observed: 1 homozygote.
Comment: The His575IlefsTer19 variant in KIFBP was absent from large population studies. The His575IlefsTer19 variant classified as likely pathogenic based upon segregation studies and absence from controls.

NM_015634.4(KIFBP):c.1723del (p.His575fs)

Gene: KIFBP (kinesin family binding protein; plus strand). Cytogenetic location: 10q22.1.
Variant type: Deletion.
Coding change: c.1723del on transcript NM_015634.4 (MANE Select); coding-DNA position 1723, one base deleted (C; older notation c.1723delC).
Protein change: p.His575fs; shifts the reading frame from histidine 575.
Molecular consequence: frameshift variant.
Genome position (GRCh38, 1-based): chr10:69,016,273, C deleted. VCF-style (leftmost placement, unchanged base first): chr10-69016272-AC-A. GRCh37 (hg19) VCF-style: chr10-70776028-AC-A.
Other names: short protein forms H575fs.
Identifiers: ClinVar variation 988582 (VCV000988582.3), dbSNP rs2132120181, ClinGen allele CA2499220301.